The following is an entry in ClinVar:

ClinVar aggregate classification (germline): Pathogenic (1 of 4 stars; one submission).

Conditions:
Nemaline myopathy 2 (NEM2). Also called: Nemaline myopathy 2, autosomal recessive. Identifiers: MedGen C1850569, MONDO:0009725, OMIM 256030.

Submission:

Labcorp Genetics (formerly Invitae), Labcorp
Classification: Pathogenic for Nemaline myopathy 2. Last evaluated: 2018-10-10. Review status: criteria provided, single submitter. Criteria: Invitae Variant Classification Sherloc (09022015). Collection method: clinical testing. Allele origin: germline.
Comment: This variant is an in-frame deletion of the genomic region encompassing exon 55 of the NEB gene. It preserves the integrity of the reading frame. This is a common pathogenic variant among individuals of Ashkenazi Jewish ancestry with a carrier frequency of 1/108 (~0.9%) (PMID:Â¬â€ 15221447, 19232495). Experimental studies have shown that mice homozygous for this variant display a phenotype that resembles nemaline myopathy including severe muscle weakness and the presence of nemaline bodies in muscle biopsies (PMID: 23715096). For these reasons, this variant has been classified as Pathogenic.

Literature cited by the submitters: PubMed 23715096.

NC_000002.12:g.(?_151646110)_(151646254_?)del

Gene: NEB (nebulin; minus strand). Cytogenetic location: 2q23.3.
Variant type: Deletion.
Identifiers: ClinVar variation 665633 (VCV000665633.1).